The following is an entry in ClinVar:

ClinVar aggregate classification (germline): Uncertain significance (1 of 4 stars; one submission).

Conditions:
Familial cancer of breast. Also called: hereditary breast carcinoma; Hereditary breast cancer; BREAST CANCER, FAMILIAL. Identifiers: Orphanet 227535, MedGen C0346153, MONDO:0016419, OMIM 114480. Disease mechanism: loss of function.

Submission:

Labcorp Genetics (formerly Invitae), Labcorp
Classification: Uncertain significance for Familial cancer of breast. Last evaluated: 2022-07-12. Review status: criteria provided, single submitter. Criteria: Invitae Variant Classification Sherloc (09022015). Collection method: clinical testing. Allele origin: germline.
Comment: This sequence change replaces glutamic acid, which is acidic and polar, with lysine, which is basic and polar, at codon 1066 of the PALB2 protein (p.Glu1066Lys). This variant is not present in population databases (gnomAD no frequency). This variant has not been reported in the literature in individuals affected with PALB2-related conditions. ClinVar contains an entry for this variant (Variation ID: 1063905). Algorithms developed to predict the effect of missense changes on protein structure and function are either unavailable or do not agree on the potential impact of this missense change (SIFT: "Tolerated"; PolyPhen-2: "Probably Damaging"; Align-GVGD: "Class C0"). In summary, the available evidence is currently insufficient to determine the role of this variant in disease. Therefore, it has been classified as a Variant of Uncertain Significance.

NM_024675.4(PALB2):c.3196G>A (p.Glu1066Lys)

Gene: PALB2 (partner and localizer of BRCA2; minus strand). Cytogenetic location: 16p12.2.
Variant type: single nucleotide variant.
Coding change: c.3196G>A on transcript NM_024675.4 (MANE Select); coding-DNA position 3196, G replaced by A.
Protein change: p.Glu1066Lys; replaces glutamic acid 1066 with lysine.
Molecular consequence: missense variant.
Genome position (GRCh38, 1-based): chr16:23,614,009, C>T on the plus strand (G>A on the coding strand, the complement: PALB2 is on the minus strand). VCF-style: chr16-23614009-C-T. GRCh37 (hg19) VCF-style: chr16-23625330-C-T.
Other names: short protein forms E1066K.
Identifiers: ClinVar variation 1063905 (VCV001063905.10), dbSNP rs2142298635, ClinGen allele CA395141112.